The following is an entry in ClinVar:

ClinVar aggregate classification (germline): Uncertain significance. Review status: criteria provided, multiple submitters, no conflicts (2 of 4 stars). 2 submissions from 2 submitters: Uncertain significance (2). Last evaluated 2026-03-16.

Allele frequency attached by ClinVar (database versions not stated): gnomAD 0.00005; ESP Exome Variant Server 0.00009.
gnomAD v4.1: 72 of 1,612,668 alleles (0.0045%); highest among the groups gnomAD compares: Non-Finnish European, 0.0057%; no homozygotes.

Submissions (2):

GeneDx
Classification: Uncertain significance. Last evaluated: 2026-03-16. Review status: criteria provided, single submitter. Criteria: GeneDx Variant Classification Process June 2021. Collection method: clinical testing. Allele origin: germline.
Comment: In silico analysis suggests that this missense variant does not alter protein structure/function; Has not been previously published as pathogenic or benign to our knowledge

CeGaT Center for Human Genetics Tuebingen
Classification: Uncertain significance. Last evaluated: 2023-03-01. Review status: criteria provided, single submitter. Criteria: CeGaT Center For Human Genetics Tuebingen Variant Classification Criteria Version 2. Collection method: clinical testing. Allele origin: germline. Affected: yes. Observed: 1 variant allele.
Comment: WASHC4: PM2, BP5

NM_015275.3(WASHC4):c.3419C>T (p.Ala1140Val)

Gene: WASHC4 (WASH complex subunit 4; plus strand). Cytogenetic location: 12q23.3.
Variant type: single nucleotide variant.
Coding change: c.3419C>T on transcript NM_015275.3 (MANE Select); coding-DNA position 3419, C replaced by T.
Protein change: p.Ala1140Val; replaces alanine 1140 with valine.
Molecular consequence: missense variant.
Genome position (GRCh38, 1-based): chr12:105,164,705, C>T. VCF-style: chr12-105164705-C-T. GRCh37 (hg19) VCF-style: chr12-105558483-C-T.
Other names: c.3422C>T, p.Ala1141Val (NM_001293640.2); c.3419C>T (NM_015275.2); short protein forms A1140V, A1141V.
Identifiers: ClinVar variation 2643258 (VCV002643258.25), dbSNP rs199807811, ClinGen allele CA6759238.
Genomic context (GRCh38, chr12:105,164,705, plus strand): 5'-TTGAATTGCTGTATTTCTCACTGAGCAGTGCAAGAATTTTCTTCAGAGCAGACAAGACTG[C>T]GGCTGAAGAAAACCAAGAAAAGAAAGAGAAGGAAGGTCAGTGAGTGGTTTAAATTTGGAA-3'
Protein context (NP_056090.1, residues 1130-1150): ARIFFRADKT[Ala1140Val]AEENQEKKEK